The following is an entry in ClinVar:

ClinVar aggregate classification (germline): Benign/Likely benign. Review status: criteria provided, multiple submitters, no conflicts (2 of 4 stars). 4 submissions from 4 submitters: Benign (1); Likely benign (3). Last evaluated 2026-01-26.

Allele frequency attached by ClinVar (database versions not stated): gnomAD below 0.00001 and 0.00007; TOPMed 0.00001; gnomAD exomes 0.00009 and 0.00018; 1000 Genomes Project 30x 0.00016; ExAC 0.00019; 1000 Genomes Project 0.00020.
gnomAD v4.1: 134 of 1,610,736 alleles (0.0083%); highest among the groups gnomAD compares: South Asian, 0.13%; no homozygotes.

Submissions (4):

Labcorp Genetics (formerly Invitae), Labcorp
Classification: Likely benign. Last evaluated: 2026-01-26. Review status: criteria provided, single submitter. Criteria: Invitae Variant Classification Sherloc (09022015). Collection method: clinical testing. Allele origin: germline.

Blueprint Genetics
Classification: Likely benign. Last evaluated: 2024-02-20. Review status: criteria provided, single submitter. Criteria: ACMG Guidelines, 2015. Collection method: clinical testing. Allele origin: germline.

Women's Health and Genetics/Laboratory Corporation of America, LabCorp
Classification: Benign. Last evaluated: 2023-08-09. Review status: criteria provided, single submitter. Criteria: LabCorp Variant Classification Summary - May 2015. Collection method: clinical testing. Allele origin: germline.
Comment: Variant summary: LRPPRC c.2629+18A>G alters a non-conserved nucleotide located close to a canonical splice site and therefore could affect mRNA splicing, leading to a significantly altered protein sequence. 4/4 computational tools predict no significant impact on normal splicing. However, these predictions have yet to be confirmed by functional studies. The variant allele was found at a frequency of 0.00018 in 250098 control chromosomes, predominantly at a frequency of 0.0014 within the South Asian subpopulation in the gnomAD database. The observed variant frequency within South Asian control individuals in the gnomAD database is approximately 3 fold of the estimated maximal expected allele frequency for a pathogenic variant in LRPPRC causing Leigh Syndrome, French-Canadian Type phenotype (0.0005), strongly suggesting that the variant is a benign polymorphism found primarily in populations of South Asian origin. To our knowledge, no occurrence of c.2629+18A>G in individuals affected with Leigh Syndrome, French-Canadian Type and no experimental evidence demonstrating its impact on protein function have been reported. One submitter has cited clinical-significance assessments for this variant to ClinVar after 2014 and has classified the variant as likely benign. Based on the evidence outlined above, the variant was classified as benign.

GeneDx
Classification: Likely benign. Last evaluated: 2017-02-01. Review status: criteria provided, single submitter. Criteria: GeneDx Variant Classification (06012015). Collection method: clinical testing. Allele origin: germline. Affected: yes.
Comment: This variant is considered likely benign or benign based on one or more of the following criteria: it is a conservative change, it occurs at a poorly conserved position in the protein, it is predicted to be benign by multiple in silico algorithms, and/or has population frequency not consistent with disease.

NM_133259.4(LRPPRC):c.2629+18A>G

Gene: LRPPRC (leucine rich pentatricopeptide repeat containing; minus strand). Cytogenetic location: 2p21.
Variant type: single nucleotide variant.
Coding change: c.2629+18A>G on transcript NM_133259.4 (MANE Select); 18 bases into the intron after coding-DNA position 2629, A replaced by G.
Molecular consequence: intron variant.
Genome position (GRCh38, 1-based): chr2:43,934,736, T>C on the plus strand (A>G on the coding strand, the complement: LRPPRC is on the minus strand). VCF-style: chr2-43934736-T-C. GRCh37 (hg19) VCF-style: chr2-44161875-T-C.
Identifiers: ClinVar variation 506869 (VCV000506869.6), dbSNP rs572783698, ClinGen allele CA1638398.